The following is an entry in ClinVar:

NM_001010892.3(RSPH4A):c.*436A>C

Gene: RSPH4A (radial spoke head component 4A; plus strand). Cytogenetic location: 6q22.1.
Variant type: single nucleotide variant.
Coding change: c.*436A>C on transcript NM_001010892.3 (MANE Select); 436 bases downstream of the stop codon, A replaced by C.
Molecular consequence: 3 prime UTR variant.
Genome position (GRCh38, 1-based): chr6:116,632,877, A>C. VCF-style: chr6-116632877-A-C. GRCh37 (hg19) VCF-style: chr6-116954040-A-C.
Other names: c.*648A>C (NM_001161664.2).
Identifiers: ClinVar variation 355130 (VCV000355130.5), dbSNP rs9488993, ClinGen allele CA10625751.

ClinVar aggregate classification (germline): Benign (1 of 4 stars; one submission).

Conditions:
Primary ciliary dyskinesia 11. Also called: CILIARY DYSKINESIA, PRIMARY, 11, WITHOUT SITUS INVERSUS. Identifiers: Orphanet 244, MedGen C2675229, MONDO:0012978, OMIM 612649.

Allele frequency attached by ClinVar (database versions not stated): gnomAD exomes 0.04969; gnomAD 0.08033 and 0.08172; 1000 Genomes Project 0.09046; TOPMed 0.09579; 1000 Genomes Project 30x 0.09666.
gnomAD v4.1: 14,682 of 202,836 alleles (7.2%); highest among the groups gnomAD compares: Admixed American, 16%; 836 homozygotes.

Submission:

Illumina Laboratory Services, Illumina
Classification: Benign for Primary ciliary dyskinesia 11. Last evaluated: 2018-01-13. Review status: criteria provided, single submitter. Criteria: ICSL Variant Classification Criteria 13 December 2019. Collection method: clinical testing. Allele origin: germline.
Comment: This variant was observed in the ICSL laboratory as part of a predisposition screen in an ostensibly healthy population. It had not been previously curated by ICSL or reported in the Human Gene Mutation Database (HGMD: prior to June 1st, 2018), and was therefore a candidate for classification through an automated scoring system. Utilizing variant allele frequency, disease prevalence and penetrance estimates, and inheritance mode, an automated score was calculated to assess if this variant is too frequent to cause the disease. Based on the score and internal cut-off values, a variant classified as benign is not then subjected to further curation. The score for this variant resulted in a classification of benign for this disease.